The following is an entry in ClinVar:

NM_001123385.2(BCOR):c.2065G>A (p.Gly689Ser)

Gene: BCOR (BCL6 corepressor; minus strand). Cytogenetic location: Xp11.4.
Variant type: single nucleotide variant.
Coding change: c.2065G>A on transcript NM_001123385.2 (MANE Select); coding-DNA position 2065, G replaced by A.
Protein change: p.Gly689Ser; replaces glycine 689 with serine.
Molecular consequence: missense variant.
Genome position (GRCh38, 1-based): chrX:40,073,281, C>T on the plus strand (G>A on the coding strand, the complement: BCOR is on the minus strand). VCF-style: chrX-40073281-C-T. GRCh37 (hg19) VCF-style: chrX-39932534-C-T.
Other names: c.2065G>A, p.Gly689Ser (NM_001123383.2, NM_001123384.2, NM_017745.6); short protein forms G689S.
Identifiers: ClinVar variation 3367438 (VCV003367438.2).
Genomic context (GRCh38, chrX:40,073,281, plus strand): 5'-CGGTGGGAAGCCCATAGGGCAGCCCAGGCTTTGGGGCAAGGTGCCCAGGAAACAGACTGC[C>T]ATTGGGTAACAAAACTGGGTGAGGGTAGACAGGTCCTTTGCCATGTAAGGAGAGGGGACT-3'
Protein context (NP_001116857.1, residues 679-699): VYPHPVLLPN[Gly689Ser]SLFPGHLAPK

ClinVar aggregate classification (germline): Uncertain significance (1 of 4 stars; one submission).

Submission:

GeneDx
Classification: Uncertain significance. Last evaluated: 2025-10-09. Review status: criteria provided, single submitter. Criteria: GeneDx Variant Classification Process June 2021. Collection method: clinical testing. Allele origin: germline.
Comment: Not observed at significant frequency in large population cohorts (gnomAD); In silico analysis supports that this missense variant has a deleterious effect on protein structure/function; Has not been previously published as pathogenic or benign to our knowledge